The following is an entry in ClinVar:

NM_017763.6(RNF43):c.1478G>A (p.Ser493Asn)

Gene: RNF43 (ring finger protein 43; minus strand). Cytogenetic location: 17q22.
Variant type: single nucleotide variant.
Coding change: c.1478G>A on transcript NM_017763.6 (MANE Select); coding-DNA position 1478, G replaced by A.
Protein change: p.Ser493Asn; replaces serine 493 with asparagine.
Molecular consequence: missense variant.
Genome position (GRCh38, 1-based): chr17:58,358,298, C>T on the plus strand (G>A on the coding strand, the complement: RNF43 is on the minus strand). VCF-style: chr17-58358298-C-T. GRCh37 (hg19) VCF-style: chr17-56435659-C-T.
Other names: c.1478G>A (NM_017763.4); c.1478G>A, p.Ser493Asn (NM_001305544.3); c.1097G>A, p.Ser366Asn (NM_001305545.2); short protein forms S366N, S493N.
Identifiers: ClinVar variation 2169772 (VCV002169772.8), dbSNP rs761757802, ClinGen allele CA8673171.

ClinVar aggregate classification (germline): Conflicting classifications of pathogenicity. Review status: criteria provided, conflicting classifications (1 of 4 stars). 4 submissions from 4 submitters: Uncertain significance (3); Likely benign (1). Last evaluated 2026-06-23.

Conditions:
Sessile serrated polyposis cancer syndrome (SSPCS). Identifiers: Orphanet 157798, MedGen C4310714, MONDO:0014919, OMIM 617108.

Allele frequency attached by ClinVar (database versions not stated): TOPMed below 0.00001; ExAC 0.00002; gnomAD 0.00001; gnomAD exomes 0.00007.

Submissions (4):

Ambry Genetics
Classification: Likely benign. Last evaluated: 2026-06-23. Review status: criteria provided, single submitter. Criteria: Ambry Variant Classification Scheme 2023. Collection method: clinical testing. Allele origin: germline.

Labcorp Genetics (formerly Invitae), Labcorp
Classification: Uncertain significance. Last evaluated: 2024-04-04. Review status: criteria provided, single submitter. Criteria: Invitae Variant Classification Sherloc (09022015). Collection method: clinical testing. Allele origin: germline.
Comment: This sequence change replaces serine, which is neutral and polar, with asparagine, which is neutral and polar, at codon 493 of the RNF43 protein (p.Ser493Asn). This variant is present in population databases (rs761757802, gnomAD 0.0009%). This variant has not been reported in the literature in individuals affected with RNF43-related conditions. ClinVar contains an entry for this variant (Variation ID: 2169772). An algorithm developed to predict the effect of missense changes on protein structure and function (PolyPhen-2) suggests that this variant is likely to be disruptive. In summary, the available evidence is currently insufficient to determine the role of this variant in disease. Therefore, it has been classified as a Variant of Uncertain Significance.

GeneDx
Classification: Uncertain significance. Last evaluated: 2023-11-16. Review status: criteria provided, single submitter. Criteria: GeneDx Variant Classification Process June 2021. Collection method: clinical testing. Allele origin: germline. Affected: yes.
Comment: Not observed at significant frequency in large population cohorts (gnomAD); In silico analysis supports that this missense variant has a deleterious effect on protein structure/function; Has not been previously published as pathogenic or benign to our knowledge; Variants in candidate genes are classified as variants of uncertain significance in accordance with ACMG guidelines (PMID: 25741868)

Baylor Genetics
Classification: Uncertain significance for Sessile serrated polyposis cancer syndrome. Last evaluated: 2023-09-19. Review status: criteria provided, single submitter. Criteria: ACMG Guidelines, 2015. Collection method: clinical testing. Allele origin: unknown.